The following is an entry in ClinVar:

NM_001110556.2(FLNA):c.5814C>T (p.Tyr1938=)

Gene: FLNA (filamin A; minus strand). Cytogenetic location: Xq28.
Variant type: single nucleotide variant.
Coding change: c.5814C>T on transcript NM_001110556.2 (MANE Select); coding-DNA position 5814, C replaced by T.
Protein change: p.Tyr1938=; no amino-acid change (tyrosine 1938 retained).
Molecular consequence: synonymous variant.
Genome position (GRCh38, 1-based): chrX:154,353,600, G>A on the plus strand (C>T on the coding strand, the complement: FLNA is on the minus strand). VCF-style: chrX-154353600-G-A. GRCh37 (hg19) VCF-style: chrX-153581968-G-A.
Other names: p.Y1930Y:TAC>TAT; p.Tyr1930=; c.5790C>T, p.Tyr1930= (NM_001456.4).
Identifiers: ClinVar variation 129075 (VCV000129075.32), dbSNP rs140084263, ClinGen allele CA288868.
Genomic context (GRCh38, chrX:154,353,600, plus strand): 5'-CCAGTGCCACCCACCTGTGACCCGAGCAGTGAAGGGGCTGCCTGGGACGTGCTGTTCATT[G>A]TACTTGACTAGAATGCTGTAGTCCCCCGGCAGCACAGGCAGGTAGGACACGCTGCATGTC-3'
Protein context (NP_001104026.1, residues 1928-1948): LPGDYSILVK[Tyr1938=]NEQHVPGSPF

ClinVar aggregate classification (germline): Benign. Review status: criteria provided, multiple submitters, no conflicts (2 of 4 stars). 9 submissions from 9 submitters: Benign (9). Last evaluated 2026-02-01.

Conditions:
Heterotopia, periventricular, X-linked dominant (PVNH1). Also called: PERIVENTRICULAR NODULAR HETEROTOPIA 4; HETEROTOPIA, PERIVENTRICULAR, 1; PERIVENTRICULAR NODULAR HETEROTOPIA 1; X-linked periventricular heterotopia. Identifiers: Orphanet 2149, Orphanet 82004, MedGen C1848213, MONDO:0010233, OMIM 300049.
Melnick-Needles syndrome (MNS). Also called: MELNICK-NEEDLES OSTEODYSPLASTY; OSTEODYSPLASTY OF MELNICK AND NEEDLES; Melnick-Needles Syndrome (FLNA-MNS). Identifiers: Orphanet 2484, MedGen C0025237, MONDO:0010650, OMIM 309350.
Frontometaphyseal dysplasia (FMD1). Identifiers: Orphanet 1826, MedGen C0265293, MONDO:0015942.
Oto-palato-digital syndrome, type II (OPD2). Also called: Otopalatodigital Syndrome, Type II; OPD II SYNDROME; FACIOPALATOOSSEOUS SYNDROME; Otopalatodigital Syndrome Type 2 (FLNA-OPD2). Identifiers: Orphanet 669, Orphanet 90652, MedGen C1844696, MONDO:0010571, OMIM 304120.
Familial thoracic aortic aneurysm and aortic dissection (TAAD). Also called: Thoracic aortic aneurysms and dissections. Identifiers: Orphanet 91387, MedGen C4707243, MONDO:0019625.

Allele frequency attached by ClinVar (database versions not stated): ExAC 0.00230; 1000 Genomes Project 0.00530; gnomAD 0.00587 and 0.00624; gnomAD exomes 0.00058 and 0.00167; 1000 Genomes Project 30x 0.00520; TOPMed 0.00689; ESP Exome Variant Server 0.00805.
gnomAD v4.1: 1,365 of 1,210,772 alleles (0.11%); highest among the groups gnomAD compares: African/African-American, 2.1%; 20 homozygotes.

Submissions (9):

Labcorp Genetics (formerly Invitae), Labcorp
Classification: Benign for Oto-palato-digital syndrome, type II; Heterotopia, periventricular, X-linked dominant; Frontometaphyseal dysplasia; Melnick-Needles syndrome. Last evaluated: 2026-02-01. Review status: criteria provided, single submitter. Criteria: Invitae Variant Classification Sherloc (09022015). Collection method: clinical testing. Allele origin: germline.

ARUP Laboratories, Molecular Genetics and Genomics, ARUP Laboratories
Classification: Benign. Last evaluated: 2024-07-08. Review status: criteria provided, single submitter. Criteria: ARUP Molecular Germline Variant Investigation Process 2024. Collection method: clinical testing. Allele origin: germline.

Mayo Clinic Laboratories, Mayo Clinic
Classification: Benign. Last evaluated: 2023-10-10. Review status: criteria provided, single submitter. Criteria: ACMG Guidelines, 2015. Collection method: clinical testing. Allele origin: germline. Observed: 16 variant alleles.
Comment: BS2, BP4, BP7

Women's Health and Genetics/Laboratory Corporation of America, LabCorp
Classification: Benign. Last evaluated: 2023-07-21. Review status: criteria provided, single submitter. Criteria: LabCorp Variant Classification Summary - May 2015. Collection method: clinical testing. Allele origin: germline.

Athena Diagnostics
Classification: Benign. Last evaluated: 2016-10-17. Review status: criteria provided, single submitter. Criteria: Athena Diagnostics Criteria. Collection method: clinical testing. Allele origin: germline.

Genetic Services Laboratory, University of Chicago
Classification: Benign. Last evaluated: 2016-08-08. Review status: criteria provided, single submitter. Criteria: ACMG Guidelines, 2015. Collection method: clinical testing. Allele origin: germline. Affected: no.

Ambry Genetics
Classification: Benign for Familial thoracic aortic aneurysm and aortic dissection. Last evaluated: 2016-01-07. Review status: criteria provided, single submitter. Criteria: Ambry Variant Classification Scheme 2023. Collection method: clinical testing. Allele origin: germline.

GeneDx
Classification: Benign. Last evaluated: 2014-10-06. Review status: criteria provided, single submitter. Criteria: GeneDx Variant Classification (06012015). Collection method: clinical testing. Allele origin: germline. Affected: yes.
Comment: This variant is considered likely benign or benign based on one or more of the following criteria: it is a conservative change, it occurs at a poorly conserved position in the protein, it is predicted to be benign by multiple in silico algorithms, and/or has population frequency not consistent with disease.

Breakthrough Genomics
Classification: Benign. Review status: criteria provided, single submitter. Criteria: ACMG Guidelines, 2015. Collection method: not provided. Allele origin: germline. Inheritance: X-linked inheritance. Affected: yes.

Literature cited by the submitters: PubMed 20598277 (cited by Athena Diagnostics).